The following is an entry in ClinVar:

NM_001127222.2(CACNA1A):c.3089+4A>G

Gene: CACNA1A (calcium voltage-gated channel subunit alpha1 A; minus strand). Cytogenetic location: 19p13.13.
Variant type: single nucleotide variant.
Coding change: c.3089+4A>G on transcript NM_001127222.2 (MANE Select); 4 bases into the intron after coding-DNA position 3089, A replaced by G.
Molecular consequence: intron variant.
Genome position (GRCh38, 1-based): chr19:13,298,540, T>C on the plus strand (A>G on the coding strand, the complement: CACNA1A is on the minus strand). VCF-style: chr19-13298540-T-C. GRCh37 (hg19) VCF-style: chr19-13409354-T-C.
Other names: c.3092+4A>G (NM_001127221.2, NM_001174080.2); c.3101+4A>G (NM_000068.4, NM_023035.3).
Identifiers: ClinVar variation 2946399 (VCV002946399.3), dbSNP rs2057717624, ClinGen allele CA993729350.

ClinVar aggregate classification (germline): Uncertain significance (1 of 4 stars; one submission).

Conditions:
Episodic ataxia type 2 (EA2). Also called: CEREBELLAR ATAXIA, PAROXYSMAL, ACETAZOLAMIDE-RESPONSIVE; CEREBELLOPATHY, HEREDITARY PAROXYSMAL; EPISODIC ATAXIA, NYSTAGMUS-ASSOCIATED; ACETAZOLAMIDE-RESPONSIVE HEREDITARY PAROXYSMAL CEREBELLAR ATAXIA; ATAXIA, EPISODIC, WITH NYSTAGMUS; ATAXIA, FAMILIAL PAROXYSMAL. Identifiers: Orphanet 97, MedGen C1720416, MONDO:0007163, OMIM 108500.
Developmental and epileptic encephalopathy, 42 (DEE42A). Also called: Epileptic encephalopathy, early infantile, 42; DEVELOPMENTAL AND EPILEPTIC ENCEPHALOPATHY 42A; EPILEPTIC ENCEPHALOPATHY, EARLY INFANTILE, 42A. Identifiers: MedGen C4310716, MONDO:0014917, OMIM 617106.

Allele frequency attached by ClinVar (database versions not stated): TOPMed below 0.00001; gnomAD 0.00001.

Submission:

Labcorp Genetics (formerly Invitae), Labcorp
Classification: Uncertain significance for Developmental and epileptic encephalopathy, 42; Episodic ataxia type 2. Last evaluated: 2023-04-13. Review status: criteria provided, single submitter. Criteria: Invitae Variant Classification Sherloc (09022015). Collection method: clinical testing. Allele origin: germline.
Comment: This sequence change falls in intron 19 of the CACNA1A gene. It does not directly change the encoded amino acid sequence of the CACNA1A protein. It affects a nucleotide within the consensus splice site. In summary, the available evidence is currently insufficient to determine the role of this variant in disease. Therefore, it has been classified as a Variant of Uncertain Significance. Variants that disrupt the consensus splice site are a relatively common cause of aberrant splicing (PMID: 17576681, 9536098). Algorithms developed to predict the effect of sequence changes on RNA splicing suggest that this variant may disrupt the consensus splice site. This variant has not been reported in the literature in individuals affected with CACNA1A-related conditions. This variant is not present in population databases (gnomAD no frequency).

Literature cited by the submitters: PubMed 17576681; PubMed 9536098.